The following is an entry in ClinVar:

ClinVar aggregate classification (germline): Pathogenic (1 of 4 stars; one submission).

Conditions:
Congenital muscular dystrophy due to integrin alpha-7 deficiency. Also called: MYOPATHY, CONGENITAL, DUE TO INTEGRIN ALPHA-7 DEFICIENCY; Congenital muscular dystrophy with integrin alpha-7 deficiency; Muscular dystrophy, congenital, due to ITGA7 deficiency. Identifiers: Orphanet 34520, MedGen C2750786, MONDO:0013177, OMIM 613204.

Allele frequency attached by ClinVar (database versions not stated): gnomAD exomes below 0.00001.
gnomAD v4.1: 1 of 1,614,140 alleles (0.000062%); highest among the groups gnomAD compares: South Asian, 0.0011%; no homozygotes.

Submission:

Labcorp Genetics (formerly Invitae), Labcorp
Classification: Pathogenic for Congenital muscular dystrophy due to integrin alpha-7 deficiency. Last evaluated: 2023-07-19. Review status: criteria provided, single submitter. Criteria: Invitae Variant Classification Sherloc (09022015). Collection method: clinical testing. Allele origin: germline.
Comment: For these reasons, this variant has been classified as Pathogenic. This sequence change creates a premature translational stop signal (p.Gln831*) in the ITGA7 gene. It is expected to result in an absent or disrupted protein product. Loss-of-function variants in ITGA7 are known to be pathogenic (PMID: 9590299). This variant is not present in population databases (gnomAD no frequency). This variant has not been reported in the literature in individuals affected with ITGA7-related conditions. Algorithms developed to predict the effect of sequence changes on RNA splicing suggest that this variant may disrupt the consensus splice site.

Literature cited by the submitters: PubMed 9590299.

NM_002206.3(ITGA7):c.2491C>T (p.Gln831Ter)

Genes: ITGA7 (integrin subunit alpha 7; minus strand), LOC126861535 (CDK7 strongly-dependent group 2 enhancer GRCh37_chr12:56087579-56088778; plus strand). Cytogenetic location: 12q13.2.
Variant type: single nucleotide variant.
Coding change: c.2491C>T on transcript NM_002206.3 (MANE Select); coding-DNA position 2491, C replaced by T.
Protein change: p.Gln831Ter; replaces glutamine 831 with a stop codon.
Molecular consequence: nonsense.
Genome position (GRCh38, 1-based): chr12:55,694,065, G>A on the plus strand (C>T on the coding strand, the complement: ITGA7 is on the minus strand). VCF-style: chr12-55694065-G-A. GRCh37 (hg19) VCF-style: chr12-56087849-G-A.
Other names: c.2503C>T, p.Gln835Ter (NM_001144996.2); c.2212C>T, p.Gln738Ter (NM_001144997.2); c.2164C>T, p.Gln722Ter (NM_001367993.1); c.1147C>T, p.Gln383Ter (NM_001367994.1); c.2473C>T, p.Gln825Ter (NM_001374465.1); c.2623C>T, p.Gln875Ter (NM_001410977.1); c.2485C>T, p.Gln829Ter (NM_001414029.1); c.2416C>T, p.Gln806Ter (NM_001414030.1); and 5 more; short protein forms Q718*, Q835*, Q738*, Q806*, Q825*, Q756*, Q829*, Q831*.
Identifiers: ClinVar variation 2997928 (VCV002997928.3), dbSNP rs1040633055, ClinGen allele CA385182502.